The following is an entry in ClinVar:

NM_005604.4(POU3F2):c.1247G>A (p.Gly416Glu)

Gene: POU3F2 (POU class 3 homeobox 2; plus strand). Cytogenetic location: 6q16.1.
Variant type: single nucleotide variant.
Coding change: c.1247G>A on transcript NM_005604.4 (MANE Select); coding-DNA position 1247, G replaced by A.
Protein change: p.Gly416Glu; replaces glycine 416 with glutamic acid.
Molecular consequence: missense variant.
Genome position (GRCh38, 1-based): chr6:98,836,120, G>A. VCF-style: chr6-98836120-G-A. GRCh37 (hg19) VCF-style: chr6-99283996-G-A.
Other names: c.1247G>A (NM_005604.2); short protein forms G416E.
Identifiers: ClinVar variation 3905793 (VCV003905793.11).
Genomic context (GRCh38, chr6:98,836,120, plus strand): 5'-AGGTGGTGAGAGTTTGGTTTTGTAACAGGAGACAGAAAGAGAAAAGGATGACCCCTCCCG[G>A]AGGGACTCTGCCGGGCGCCGAGGATGTGTACGGGGGGAGTAGGGACACTCCACCACACCA-3'
Protein context (NP_005595.2, residues 406-426): RQKEKRMTPP[Gly416Glu]GTLPGAEDVY

ClinVar aggregate classification (germline): Uncertain significance. Review status: criteria provided, multiple submitters, no conflicts (2 of 4 stars). 2 submissions from 2 submitters: Uncertain significance (2). Last evaluated 2025-06-22.

Conditions:
Inborn genetic diseases. Identifiers: MedGen C0950123, MeSH D030342.

gnomAD v4.1: 9 of 1,605,752 alleles (0.00056%); highest among the groups gnomAD compares: Non-Finnish European, 0.00076%; no homozygotes.

Submissions (2):

Ambry Genetics
Classification: Uncertain significance for Inborn genetic diseases. Last evaluated: 2025-06-22. Review status: criteria provided, single submitter. Criteria: Ambry Variant Classification Scheme 2023. Collection method: clinical testing. Allele origin: germline.

CeGaT Center for Human Genetics Tuebingen
Classification: Uncertain significance. Last evaluated: 2025-05-01. Review status: criteria provided, single submitter. Criteria: CeGaT Center For Human Genetics Tuebingen Variant Classification Criteria Version 2. Collection method: clinical testing. Allele origin: germline. Affected: yes. Observed: 1 variant allele.
Comment: POU3F2: PP3